The following is an entry in ClinVar:

ClinVar aggregate classification (germline): Uncertain significance (1 of 4 stars; one submission).

Conditions:
Colorectal cancer, hereditary nonpolyposis, type 7. Identifiers: Orphanet 144, MedGen C1858380, MONDO:0013725, OMIM 614385.

Submission:

Labcorp Genetics (formerly Invitae), Labcorp
Classification: Uncertain significance for Colorectal cancer, hereditary nonpolyposis, type 7. Last evaluated: 2025-07-07. Review status: criteria provided, single submitter. Criteria: Invitae Variant Classification Sherloc (09022015). Collection method: clinical testing. Allele origin: germline.
Comment: This sequence change creates a premature translational stop signal (p.Val1120Aspfs*5) in the MLH3 gene. It is expected to result in an absent or disrupted protein product. However, the current clinical and genetic evidence is not sufficient to establish whether loss-of-function variants in MLH3 cause disease. This variant is not present in population databases (gnomAD no frequency). This variant has not been reported in the literature in individuals affected with MLH3-related conditions. In summary, the available evidence is currently insufficient to determine the role of this variant in disease. Therefore, it has been classified as a Variant of Uncertain Significance.

NM_001040108.2(MLH3):c.3359_3360del (p.Val1120fs)

Gene: MLH3 (mutL homolog 3; minus strand). Cytogenetic location: 14q24.3.
Variant type: Microsatellite.
Coding change: c.3359_3360del on transcript NM_001040108.2 (MANE Select); coding-DNA positions 3359 to 3360, 2 bases deleted (TG; older notation c.3359_3360delTG).
Protein change: p.Val1120fs; shifts the reading frame from valine 1120.
Molecular consequence: frameshift variant.
Genome position (GRCh38, 1-based): chr14:75,042,398-75,042,399, CA deleted on the plus strand (TG on the coding strand, the reverse complement: MLH3 is on the minus strand); deleting any 2 consecutive bases within chr14:75,042,398-75,042,401 gives the same sequence; the c. name uses the placement nearest the transcript's 3' end. VCF-style (leftmost placement, unchanged base first): chr14-75042397-TCA-T. GRCh37 (hg19) VCF-style: chr14-75509100-TCA-T.
Other names: c.3359_3360del, p.Val1120fs (NM_014381.3); short protein forms V1120fs.
Identifiers: ClinVar variation 1426395 (VCV001426395.6), dbSNP rs763171207, ClinGen allele CA7275521.